The following is an entry in ClinVar:

ClinVar aggregate classification (germline): Benign/Likely benign. Review status: criteria provided, multiple submitters, no conflicts (2 of 4 stars). 9 submissions from 9 submitters: Benign (2); Likely benign (5). 2 of the submissions do not count toward it. Last evaluated 2026-07-01.

Conditions:
Brachydactyly type A1. Also called: SHORT STATURE WITH NONSPECIFIC SKELETAL ABNORMALITIES 2; FARABEE-TYPE BRACHYDACTYLY. Identifiers: Orphanet 93388, MedGen C1862151, MONDO:0007215, OMIM 112500, HP:0009371.

Allele frequency attached by ClinVar (database versions not stated): 1000 Genomes Project 30x 0.00125; 1000 Genomes Project 0.00140; ExAC 0.00174; gnomAD 0.00175 and 0.00182; gnomAD exomes 0.00176 and 0.00251; TOPMed 0.00179; ESP Exome Variant Server 0.00185.
gnomAD v4.1: 3,960 of 1,613,074 alleles (0.25%); highest among the groups gnomAD compares: Middle Eastern, 0.56%; 10 homozygotes.

Submissions (9):

CeGaT Center for Human Genetics Tuebingen
Classification: Likely benign. Last evaluated: 2026-07-01. Review status: criteria provided, single submitter. Criteria: CeGaT Center For Human Genetics Tuebingen Variant Classification Criteria Version 2. Collection method: clinical testing. Allele origin: germline. Affected: yes. Observed: 1 variant allele.
Comment: IHH: BP4, BP7

Labcorp Genetics (formerly Invitae), Labcorp
Classification: Benign. Last evaluated: 2026-02-01. Review status: criteria provided, single submitter. Criteria: Invitae Variant Classification Sherloc (09022015). Collection method: clinical testing. Allele origin: germline.

Blueprint Genetics
Classification: Likely benign. Last evaluated: 2024-11-25. Review status: criteria provided, single submitter. Criteria: ACMG Guidelines, 2015. Collection method: clinical testing. Allele origin: germline.

GeneDx
Classification: Likely benign. Last evaluated: 2021-04-22. Review status: criteria provided, single submitter. Criteria: GeneDx Variant Classification Process June 2021. Collection method: clinical testing. Allele origin: germline. Affected: yes.

Illumina Laboratory Services, Illumina
Classification: Benign for Brachydactyly type A1. Last evaluated: 2018-01-13. Review status: criteria provided, single submitter. Criteria: ICSL Variant Classification Criteria 13 December 2019. Collection method: clinical testing. Allele origin: germline.
Comment: This variant was observed in the ICSL laboratory as part of a predisposition screen in an ostensibly healthy population. It had not been previously curated by ICSL or reported in the Human Gene Mutation Database (HGMD: prior to June 1st, 2018), and was therefore a candidate for classification through an automated scoring system. Utilizing variant allele frequency, disease prevalence and penetrance estimates, and inheritance mode, an automated score was calculated to assess if this variant is too frequent to cause the disease. Based on the score and internal cut-off values, a variant classified as benign is not then subjected to further curation. The score for this variant resulted in a classification of benign for this disease.

Eurofins Ntd Llc (ga)
Classification: Likely benign. Last evaluated: 2017-03-22. Review status: criteria provided, single submitter. Criteria: EGL Classification Definitions 2015. Collection method: clinical testing. Allele origin: germline. Observed: 1 variant allele, 1 heterozygote.

Breakthrough Genomics
Classification: Likely benign. Review status: criteria provided, single submitter. Criteria: ACMG Guidelines, 2015. Collection method: not provided. Allele origin: germline. Inheritance: Autosomal recessive inheritance. Affected: yes.

Clinical Genetics DNA and cytogenetics Diagnostics Lab, Erasmus MC, Erasmus Medical Center
Classification: Likely benign. Review status: no assertion criteria provided. Collection method: clinical testing. Allele origin: germline. Affected: yes. Study: VKGL Data-share Consensus. Not counted in ClinVar's aggregate classification.

Laboratory of Diagnostic Genome Analysis, Leiden University Medical Center (LUMC)
Classification: Likely benign. Review status: no assertion criteria provided. Collection method: clinical testing. Allele origin: germline. Affected: yes. Study: VKGL Data-share Consensus. Not counted in ClinVar's aggregate classification.

NM_002181.4(IHH):c.873G>A (p.Arg291=)

Gene: IHH (Indian hedgehog signaling molecule; minus strand). Cytogenetic location: 2q35.
Variant type: single nucleotide variant.
Coding change: c.873G>A on transcript NM_002181.4 (MANE Select); coding-DNA position 873, G replaced by A.
Protein change: p.Arg291=; no amino-acid change (arginine 291 retained).
Molecular consequence: synonymous variant.
Genome position (GRCh38, 1-based): chr2:219,055,570, C>T on the plus strand (G>A on the coding strand, the complement: IHH is on the minus strand). VCF-style: chr2-219055570-C-T. GRCh37 (hg19) VCF-style: chr2-219920292-C-T.
Identifiers: ClinVar variation 334435 (VCV000334435.25), dbSNP rs149554120, ClinGen allele CA2116582.